The following is an entry in ClinVar:

NM_001854.4(COL11A1):c.3168+15A>G

Gene: COL11A1 (collagen type XI alpha 1 chain; minus strand). Cytogenetic location: 1p21.1.
Variant type: single nucleotide variant.
Coding change: c.3168+15A>G on transcript NM_001854.4 (MANE Select); 15 bases into the intron after coding-DNA position 3168, A replaced by G.
Molecular consequence: intron variant.
Genome position (GRCh38, 1-based): chr1:102,961,851, T>C on the plus strand (A>G on the coding strand, the complement: COL11A1 is on the minus strand). VCF-style: chr1-102961851-T-C. GRCh37 (hg19) VCF-style: chr1-103427407-T-C.
Other names: c.3051+15A>G (NM_001190709.2); c.3204+15A>G (NM_080629.3); c.2820+15A>G (NM_080630.4).
Identifiers: ClinVar variation 258455 (VCV000258455.20), dbSNP rs1012281, ClinGen allele CA974126.

ClinVar aggregate classification (germline): Benign. Review status: criteria provided, multiple submitters, no conflicts (2 of 4 stars). 10 submissions from 9 submitters: Benign (8). 2 of the submissions do not count toward it. Last evaluated 2026-05-09.

Conditions:
Fibrochondrogenesis 1 (FBCG1). Identifiers: Orphanet 2021, MedGen C3278138, MONDO:0009226, OMIM 228520.
Stickler syndrome type 2 (STL2). Also called: STICKLER SYNDROME, BEADED VITREOUS TYPE; STICKLER SYNDROME, VITREOUS TYPE 2; STICKLER SYNDROME, TYPE II; COL11A1-Related Stickler Syndrome. Identifiers: Orphanet 828, Orphanet 90654, MedGen C1858084, MONDO:0011493, OMIM 604841.

Allele frequency attached by ClinVar (database versions not stated): 1000 Genomes Project 30x 0.03732; 1000 Genomes Project 0.03814; gnomAD exomes 0.05178 and 0.06809; TOPMed 0.05424; ExAC 0.05483; gnomAD 0.05589 and 0.05717; ESP Exome Variant Server 0.06428.
gnomAD v4.1: 107,052 of 1,606,974 alleles (6.7%); highest among the groups gnomAD compares: Non-Finnish European, 7.7%; 4,029 homozygotes.

Submissions (10):

Women's Health and Genetics/Laboratory Corporation of America, LabCorp
Classification: Benign. Last evaluated: 2026-05-09. Review status: criteria provided, single submitter. Criteria: LabCorp Variant Classification Summary - May 2015. Collection method: clinical testing. Allele origin: germline.

Labcorp Genetics (formerly Invitae), Labcorp
Classification: Benign. Last evaluated: 2026-02-04. Review status: criteria provided, single submitter. Criteria: Invitae Variant Classification Sherloc (09022015). Collection method: clinical testing. Allele origin: germline.

Blueprint Genetics
Classification: Benign. Last evaluated: 2024-11-26. Review status: criteria provided, single submitter. Criteria: ACMG Guidelines, 2015. Collection method: clinical testing. Allele origin: germline.

Illumina Laboratory Services, Illumina
Classification: Benign for Stickler syndrome type 2. Last evaluated: 2018-01-13. Review status: criteria provided, single submitter. Criteria: ICSL Variant Classification Criteria 13 December 2019. Collection method: clinical testing. Allele origin: germline.
Comment: This variant was observed in the ICSL laboratory as part of a predisposition screen in an ostensibly healthy population. It had not been previously curated by ICSL or reported in the Human Gene Mutation Database (HGMD: prior to June 1st, 2018), and was therefore a candidate for classification through an automated scoring system. Utilizing variant allele frequency, disease prevalence and penetrance estimates, and inheritance mode, an automated score was calculated to assess if this variant is too frequent to cause the disease. Based on the score and internal cut-off values, a variant classified as benign is not then subjected to further curation. The score for this variant resulted in a classification of benign for this disease.

Illumina Laboratory Services, Illumina
Classification: Benign for Fibrochondrogenesis 1. Last evaluated: 2018-01-13. Review status: criteria provided, single submitter. Criteria: ICSL Variant Classification Criteria 13 December 2019. Collection method: clinical testing. Allele origin: germline.
Comment: the same text as in the submission from Illumina Laboratory Services, Illumina above.

GeneDx
Classification: Benign. Last evaluated: 2016-10-06. Review status: criteria provided, single submitter. Criteria: GeneDx Variant Classification (06012015). Collection method: clinical testing. Allele origin: germline. Affected: yes.
Comment: This variant is considered likely benign or benign based on one or more of the following criteria: it is a conservative change, it occurs at a poorly conserved position in the protein, it is predicted to be benign by multiple in silico algorithms, and/or has population frequency not consistent with disease.

Breakthrough Genomics
Classification: Benign. Review status: criteria provided, single submitter. Criteria: ACMG Guidelines, 2015. Collection method: not provided. Allele origin: germline. Inheritance: Autosomal recessive inheritance. Affected: yes.

PreventionGenetics, part of Exact Sciences
Classification: Benign. Review status: criteria provided, single submitter. Criteria: ACMG Guidelines, 2015. Collection method: clinical testing. Allele origin: germline.

Genome Diagnostics Laboratory, Amsterdam University Medical Center
Classification: Benign. Review status: no assertion criteria provided. Collection method: clinical testing. Allele origin: germline. Affected: yes. Study: VKGL Data-share Consensus. Not counted in ClinVar's aggregate classification.

Joint Genome Diagnostic Labs from Nijmegen and Maastricht, Radboudumc and MUMC+
Classification: Benign. Review status: no assertion criteria provided. Collection method: clinical testing. Allele origin: germline. Affected: yes. Study: VKGL Data-share Consensus. Not counted in ClinVar's aggregate classification.